The following is an entry in ClinVar:

ClinVar aggregate classification (germline): Pathogenic. Review status: criteria provided, multiple submitters, no conflicts (2 of 4 stars). 2 submissions from 2 submitters: Pathogenic (2). Last evaluated 2024-10-07.

Conditions:
Ataxia-telangiectasia syndrome (AT). Also called: Ataxia telangiectasia (A-T); LOUIS-BAR SYNDROME; Cerebello-oculocutaneous telangiectasia; Immunodeficiency with ataxia telangiectasia; Ataxia-telangiectasia, complementation group D; AT, COMPLEMENTATION GROUP C. Identifiers: Orphanet 100, MedGen C0004135, MONDO:0008840, OMIM 208900.
Hereditary cancer-predisposing syndrome. Also called: Hereditary neoplastic syndrome; Neoplastic Syndromes, Hereditary; Tumor predisposition; Hereditary Cancer Syndrome. Identifiers: Orphanet 140162, MedGen C0027672, MeSH D009386, MONDO:0015356.

Submissions (2):

Ambry Genetics
Classification: Pathogenic for Hereditary cancer-predisposing syndrome. Last evaluated: 2024-10-07. Review status: criteria provided, single submitter. Criteria: Ambry Variant Classification Scheme 2023. Collection method: clinical testing. Allele origin: germline.
Comment: The c.6219_6229del11 pathogenic mutation, located in coding exon 42 of the ATM gene, results from a deletion of 11 nucleotides at nucleotide positions 6219 to 6229, causing a translational frameshift with a predicted alternate stop codon (p.C2074Ffs*10). This alteration is expected to result in loss of function by premature protein truncation or nonsense-mediated mRNA decay. This variant is considered to be rare based on population cohorts in the Genome Aggregation Database (gnomAD). As such, this alteration is interpreted as a disease-causing mutation.

Natera, Inc.
Classification: Pathogenic for Ataxia-telangiectasia. Last evaluated: 2024-04-19. Review status: criteria provided, single submitter. Criteria: Natera Variant Classification Schema (03/2026). Collection method: clinical testing. Allele origin: germline.
Comment: The c.6219_6229delCTGCCATATTC variant in ATM is a frameshift variant predicted to shift the reading frame beginning at codon 2074 and leads to a stop codon 10 codons downstream. This variant is expected to result in nonsense mediated decay, truncation, or a dysfunctional protein product. This variant is rare in the general population with a frequency below the threshold expected for the associated phenotype(s). This variant has been observed in one or more individuals affected with the associated recessive disease, as either homozygous or compound heterozygous with a second variant (PMID: 35260754). Given the available evidence, this variant is classified as Pathogenic.

Literature cited by the submitters: PubMed 35260754 (cited by Natera, Inc.).

NM_000051.4(ATM):c.6219_6229del (p.Cys2074fs)

Genes: ATM (ATM serine/threonine kinase; plus strand), C11orf65 (chromosome 11 open reading frame 65; minus strand). Cytogenetic location: 11q22.3.
Variant type: Deletion.
Coding change: c.6219_6229del on transcript NM_000051.4 (MANE Select); coding-DNA positions 6219 to 6229, 11 bases deleted (CTGCCATATTC).
Protein change: p.Cys2074fs; shifts the reading frame from cysteine 2074.
Molecular consequence: frameshift variant. On other transcripts: intron variant (2).
Genome position (GRCh38, 1-based): chr11:108,317,393-108,317,403, CTGCCATATTC deleted. VCF-style (leftmost placement, unchanged base first): chr11-108317392-TCTGCCATATTC-T. GRCh37 (hg19) VCF-style: chr11-108188119-TCTGCCATATTC-T.
Other names: c.6219_6229del11 (NM_000051.3); c.6219_6229del, p.Cys2074fs (NM_001351834.2); c.641-8332_641-8322del (NM_001330368.2); c.*39-8332_*39-8322del (NM_001351110.2); short protein forms C2074fs.
Identifiers: ClinVar variation 1752245 (VCV001752245.3), dbSNP rs2547113605, ClinGen allele CA2580083377.